The following is an entry in ClinVar:

ClinVar aggregate classification (germline): Conflicting classifications of pathogenicity. Review status: criteria provided, conflicting classifications (1 of 4 stars). 9 submissions from 9 submitters: Uncertain significance (8); Likely benign (1). Last evaluated 2026-03-27.

Conditions:
Megacystis-microcolon-intestinal hypoperistalsis syndrome 1. Identifiers: MedGen C5542316, MONDO:0100354, OMIM 249210.
Aortic aneurysm, familial thoracic 7 (AAT7). Also called: AORTIC DISSECTION, FAMILIAL, WITH OR WITHOUT AORTIC ANEURYSM. Identifiers: MedGen C3151077, MONDO:0013418, OMIM 613780.
Familial thoracic aortic aneurysm and aortic dissection (TAAD). Also called: Thoracic aortic aneurysms and dissections. Identifiers: Orphanet 91387, MedGen C4707243, MONDO:0019625.

Allele frequency attached by ClinVar (database versions not stated): ESP Exome Variant Server 0.00008; gnomAD exomes 0.00008 and 0.00006; TOPMed 0.00008; gnomAD 0.00009; ExAC 0.00005.
gnomAD v4.1: 122 of 1,614,148 alleles (0.0076%); highest among the groups gnomAD compares: African/African-American, 0.019%; no homozygotes.

Submissions (9):

Molecular Diagnostic Laboratory for Inherited Cardiovascular Disease, Montreal Heart Institute
Classification: Likely benign. Last evaluated: 2026-03-27. Review status: criteria provided, single submitter. Criteria: ACMG Guidelines, 2015. Collection method: clinical testing. Allele origin: germline. Affected: no.
Comment: BS1;BP1

CeGaT Center for Human Genetics Tuebingen
Classification: Uncertain significance. Last evaluated: 2026-02-01. Review status: criteria provided, single submitter. Criteria: CeGaT Center For Human Genetics Tuebingen Variant Classification Criteria Version 2. Collection method: clinical testing. Allele origin: germline. Affected: yes. Observed: 1 variant allele.
Comment: MYLK: PM2:Supporting, BP4

Labcorp Genetics (formerly Invitae), Labcorp
Classification: Uncertain significance for Aortic aneurysm, familial thoracic 7. Last evaluated: 2025-10-26. Review status: criteria provided, single submitter. Criteria: Invitae Variant Classification Sherloc (09022015). Collection method: clinical testing. Allele origin: germline.
Comment: This sequence change replaces arginine, which is basic and polar, with cysteine, which is neutral and slightly polar, at codon 1301 of the MYLK protein (p.Arg1301Cys). This variant is present in population databases (rs368321325, gnomAD 0.02%). This variant has not been reported in the literature in individuals affected with MYLK-related conditions. ClinVar contains an entry for this variant (Variation ID: 539092). Invitae Evidence Modeling of protein sequence and biophysical properties (such as structural, functional, and spatial information, amino acid conservation, physicochemical variation, residue mobility, and thermodynamic stability) indicates that this missense variant is not expected to disrupt MYLK protein function with a negative predictive value of 80%. In summary, the available evidence is currently insufficient to determine the role of this variant in disease. Therefore, it has been classified as a Variant of Uncertain Significance.

Ambry Genetics
Classification: Uncertain significance for Familial thoracic aortic aneurysm and aortic dissection. Last evaluated: 2024-07-17. Review status: criteria provided, single submitter. Criteria: Ambry Variant Classification Scheme 2023. Collection method: clinical testing. Allele origin: germline.
Comment: The p.R1301C variant (also known as c.3901C>T), located in coding exon 20 of the MYLK gene, results from a C to T substitution at nucleotide position 3901. The arginine at codon 1301 is replaced by cysteine, an amino acid with highly dissimilar properties. This amino acid position is not well conserved in available vertebrate species. In addition, the in silico prediction for this alteration is inconclusive. Since supporting evidence is limited at this time, the clinical significance of this alteration remains unclear.

Women's Health and Genetics/Laboratory Corporation of America, LabCorp
Classification: Uncertain significance. Last evaluated: 2024-05-13. Review status: criteria provided, single submitter. Criteria: LabCorp Variant Classification Summary - May 2015. Collection method: clinical testing. Allele origin: germline.
Comment: Variant summary: MYLK c.3901C>T (p.Arg1301Cys) results in a non-conservative amino acid change located in the Immunoglobulin subtype 2 (IPR003598) of the encoded protein sequence. Three of five in-silico tools predict a damaging effect of the variant on protein function. The variant allele was found at a frequency of 6e-05 in 251316 control chromosomes. The observed variant frequency is approximately 24 fold of the estimated maximal expected allele frequency for a pathogenic variant in MYLK causing Aortopathy phenotype (2.5e-06). However, this data must be interpreted with caution as the sequencing techology utalized does not distinguish between this gene and highly homologous pseudogenes.To our knowledge, no occurrence of c.3901C>T in individuals affected with Aortopathy and no experimental evidence demonstrating its impact on protein function have been reported. ClinVar contains an entry for this variant (Variation ID: 539092). Based on the evidence outlined above, the variant was classified as uncertain significance.

GeneDx
Classification: Uncertain significance. Last evaluated: 2024-04-10. Review status: criteria provided, single submitter. Criteria: GeneDx Variant Classification Process June 2021. Collection method: clinical testing. Allele origin: germline. Affected: yes.
Comment: Has not been previously published as pathogenic or benign to our knowledge; In silico analysis supports that this missense variant has a deleterious effect on protein structure/function

Molecular Genetics, Royal Melbourne Hospital
Classification: Uncertain significance for Aortic aneurysm, familial thoracic 7. Last evaluated: 2023-03-30. Review status: criteria provided, single submitter. Criteria: ACMG Guidelines, 2015. Collection method: clinical testing. Allele origin: germline.
Comment: This sequence change is predicted to replace arginine with cysteine at codon 1301 of the MYLK protein (p.Arg1301Cys). The arginine residue is not conserved with cysteine present in multiple mammals (100 vertebrates, UCSC), and is located in the immunoglobulin I-set domain 8. There is a large physicochemical difference between arginine and cysteine. The variant is present in a large population cohort at a frequency of 0.006% (rs368321325, 16/282,670 alleles, 0 homozygotes in gnomAD v2.1), and has been reported as a variant of uncertain significance in ClinVar (ClinVar ID: 539092). Multiple lines of computational evidence have conflicting predictions for the missense substitution (4/6 algorithms predict benign). Based on the classification scheme RMH ACMG Guidelines v1.2.1, this variant is classified as VARIANT OF UNCERTAIN SIGNIFICANCE. No criteria are met.

Fulgent Genetics
Classification: Uncertain significance for Megacystis-microcolon-intestinal hypoperistalsis syndrome 1; Aortic aneurysm, familial thoracic 7. Last evaluated: 2021-09-06. Review status: criteria provided, single submitter. Criteria: ACMG Guidelines, 2015. Collection method: clinical testing. Allele origin: unknown.

Breakthrough Genomics
Classification: Uncertain significance. Review status: criteria provided, single submitter. Criteria: ACMG Guidelines, 2015. Collection method: not provided. Allele origin: germline. Inheritance: Autosomal recessive inheritance. Affected: yes.

NM_053025.4(MYLK):c.3901C>T (p.Arg1301Cys)

Gene: MYLK (myosin light chain kinase; minus strand). Cytogenetic location: 3q21.1.
Variant type: single nucleotide variant.
Coding change: c.3901C>T on transcript NM_053025.4 (MANE Select); coding-DNA position 3901, C replaced by T.
Protein change: p.Arg1301Cys; replaces arginine 1301 with cysteine.
Molecular consequence: missense variant.
Genome position (GRCh38, 1-based): chr3:123,664,189, G>A on the plus strand (C>T on the coding strand, the complement: MYLK is on the minus strand). VCF-style: chr3-123664189-G-A. GRCh37 (hg19) VCF-style: chr3-123383036-G-A.
Other names: c.3373C>T, p.Arg1125Cys (NM_001321309.2); c.3694C>T, p.Arg1232Cys (NM_053026.4, NM_053028.4); c.3901C>T, p.Arg1301Cys (NM_053027.4); short protein forms R1301C, R1232C, R1125C.
Identifiers: ClinVar variation 539092 (VCV000539092.28), dbSNP rs368321325, ClinGen allele CA070429.
Genomic context (GRCh38, chr3:123,664,189, plus strand): 5'-CCTGCCTGCTGCCCAGCTTGTTCTCCACCAGCAGTGTGTAGCAGCCGCAGTGCTCCTGGC[G>A]CGCGGCCAGGATGGTGAGCTTGCTGCCATTCTCGCTGTTCTCCACCTTCATGTGCTCGCT-3'
Protein context (NP_444253.3, residues 1291-1311): NGSKLTILAA[Arg1301Cys]QEHCGCYTLL